The following is an entry in ClinVar:

NM_004813.4(PEX16):c.221C>T (p.Pro74Leu)

Gene: PEX16 (peroxisomal biogenesis factor 16; minus strand). Cytogenetic location: 11p11.2.
Variant type: single nucleotide variant.
Coding change: c.221C>T on transcript NM_004813.4 (MANE Select); coding-DNA position 221, C replaced by T.
Protein change: p.Pro74Leu; replaces proline 74 with leucine.
Molecular consequence: missense variant.
Genome position (GRCh38, 1-based): chr11:45,916,231, G>A on the plus strand (C>T on the coding strand, the complement: PEX16 is on the minus strand). VCF-style: chr11-45916231-G-A. GRCh37 (hg19) VCF-style: chr11-45937782-G-A.
Other names: c.221C>T, p.Pro74Leu (NM_057174.3); c.221C>T (NM_004813.2); short protein forms P74L.
Identifiers: ClinVar variation 2077505 (VCV002077505.2), dbSNP rs775069669, ClinGen allele CA5960058.

ClinVar aggregate classification (germline): Uncertain significance. Review status: criteria provided, multiple submitters, no conflicts (2 of 4 stars). 2 submissions from 2 submitters: Uncertain significance (2). Last evaluated 2025-06-10.

Conditions:
Inborn genetic diseases. Identifiers: MedGen C0950123, MeSH D030342.
Peroxisome biogenesis disorder. Identifiers: Orphanet 79189, MedGen C1832200, MONDO:0019234. Disease mechanism: loss of function.

Allele frequency attached by ClinVar (database versions not stated): gnomAD exomes below 0.00001; ExAC 0.00001; gnomAD 0.00001; TOPMed 0.00002.
gnomAD v4.1: 4 of 1,613,414 alleles (0.00025%); highest among the groups gnomAD compares: Admixed American, 0.005%; no homozygotes.

Submissions (2):

Ambry Genetics
Classification: Uncertain significance for Inborn genetic diseases. Last evaluated: 2025-06-10. Review status: criteria provided, single submitter. Criteria: Ambry Variant Classification Scheme 2023. Collection method: clinical testing. Allele origin: germline.

Labcorp Genetics (formerly Invitae), Labcorp
Classification: Uncertain significance for Peroxisome biogenesis disorder. Last evaluated: 2022-07-01. Review status: criteria provided, single submitter. Criteria: Invitae Variant Classification Sherloc (09022015). Collection method: clinical testing. Allele origin: germline.
Comment: This sequence change replaces proline, which is neutral and non-polar, with leucine, which is neutral and non-polar, at codon 74 of the PEX16 protein (p.Pro74Leu). This variant is present in population databases (rs775069669, gnomAD 0.007%). This variant has not been reported in the literature in individuals affected with PEX16-related conditions. Algorithms developed to predict the effect of missense changes on protein structure and function are either unavailable or do not agree on the potential impact of this missense change (SIFT: "Tolerated"; PolyPhen-2: "Possibly Damaging"; Align-GVGD: "Class C0"). In summary, the available evidence is currently insufficient to determine the role of this variant in disease. Therefore, it has been classified as a Variant of Uncertain Significance.